The following is an entry in ClinVar:

NM_000540.3(RYR1):c.4363G>A (p.Asp1455Asn)

Gene: RYR1 (ryanodine receptor 1; plus strand). Cytogenetic location: 19q13.2.
Variant type: single nucleotide variant.
Coding change: c.4363G>A on transcript NM_000540.3 (MANE Select); coding-DNA position 4363, G replaced by A.
Protein change: p.Asp1455Asn; replaces aspartic acid 1455 with asparagine.
Molecular consequence: missense variant.
Genome position (GRCh38, 1-based): chr19:38,477,779, G>A. VCF-style: chr19-38477779-G-A. GRCh37 (hg19) VCF-style: chr19-38968419-G-A.
Other names: c.4363G>A, p.Asp1455Asn (NM_001042723.2); short protein forms D1455N.
Identifiers: ClinVar variation 3387709 (VCV003387709.1).
Genomic context (GRCh38, chr19:38,477,779, plus strand): 5'-TCCGTGAGGGTCTTTGCTGGACAGGAGCCCAGCTGCGTGTGGGCGGGCTGGGTCACCCCT[G>A]ACTACCATCAGCACGACATGAGCTTCGACCTCAGCAAGGTCCGGGTCGTGACGGTGACCA-3'
Protein context (NP_000531.2, residues 1445-1465): SCVWAGWVTP[Asp1455Asn]YHQHDMSFDL

ClinVar aggregate classification (germline): Uncertain significance (1 of 4 stars; one submission).

Conditions:
Malignant hyperthermia, susceptibility to, 1 (MHS1). Also called: Anesthesia related hyperthermia; Malignant hyperpyrexia; Fulminating hyperpyrexia; Pharmacogenic myopathy; RYR1-Related Malignant Hyperthermia Susceptibility; Malignant hyperthermia suceptibility 1. Identifiers: Orphanet 423, MedGen C2930980, MONDO:0007783, OMIM 145600.

Submission:

All of Us Research Program, National Institutes of Health
Classification: Uncertain significance for Malignant hyperthermia, susceptibility to, 1. Last evaluated: 2024-03-05. Review status: criteria provided, single submitter. Criteria: ACMG Guidelines, 2015. Collection method: clinical testing. Allele origin: germline. Inheritance: Autosomal dominant inheritance. Observed: 1 variant allele, 1 heterozygote.
Comment: This study involves interpretation of variants in research participants for the purpose of population health screening. Participant phenotype was not available at the time of variant classification. Additional details can be found in publication PMID: 35346344, PMCID: PMC8962531